The following is an entry in ClinVar:

NM_000059.4(BRCA2):c.2150G>A (p.Cys717Tyr)

Gene: BRCA2 (BRCA2 DNA repair associated; plus strand). Cytogenetic location: 13q13.1.
Variant type: single nucleotide variant.
Coding change: c.2150G>A on transcript NM_000059.4 (MANE Select); coding-DNA position 2150, G replaced by A.
Protein change: p.Cys717Tyr; replaces cysteine 717 with tyrosine.
Molecular consequence: missense variant.
Genome position (GRCh38, 1-based): chr13:32,336,505, G>A. VCF-style: chr13-32336505-G-A. GRCh37 (hg19) VCF-style: chr13-32910642-G-A.
Other names: short protein forms C717Y.
Identifiers: ClinVar variation 820803 (VCV000820803.12), dbSNP rs1184992634, ClinGen allele CA387770184.

ClinVar aggregate classification (germline): Conflicting classifications of pathogenicity. Review status: criteria provided, conflicting classifications (1 of 4 stars). 4 submissions from 4 submitters: Uncertain significance (2); Likely benign (2). Last evaluated 2024-06-13.

Conditions:
Hereditary breast ovarian cancer syndrome. Also called: Hereditary breast and/or ovarian cancer syndrome; BRCA1- and BRCA2-Associated Hereditary Breast and Ovarian Cancer; Hereditary breast and ovarian cancer syndrome; Hereditary breast and ovarian cancer; Hereditary breast and ovarian cancer syndrome (HBOC); Breast and ovarian cancer. Identifiers: Orphanet 145, MedGen C0677776, MeSH D061325, MONDO:0003582. Disease mechanism: loss of function.
Hereditary cancer-predisposing syndrome. Also called: Neoplastic Syndromes, Hereditary; Tumor predisposition; Hereditary Cancer Syndrome; Hereditary neoplastic syndrome. Identifiers: Orphanet 140162, MedGen C0027672, MeSH D009386, MONDO:0015356.

Allele frequency attached by ClinVar (database versions not stated): TOPMed below 0.00001.

Submissions (4):

Labcorp Genetics (formerly Invitae), Labcorp
Classification: Uncertain significance for Hereditary breast ovarian cancer syndrome. Last evaluated: 2024-06-13. Review status: criteria provided, single submitter. Criteria: Invitae Variant Classification Sherloc (09022015). Collection method: clinical testing. Allele origin: germline.
Comment: This sequence change replaces cysteine, which is neutral and slightly polar, with tyrosine, which is neutral and polar, at codon 717 of the BRCA2 protein (p.Cys717Tyr). This variant is not present in population databases (gnomAD no frequency). This variant has not been reported in the literature in individuals affected with BRCA2-related conditions. ClinVar contains an entry for this variant (Variation ID: 820803). Advanced modeling of protein sequence and biophysical properties (such as structural, functional, and spatial information, amino acid conservation, physicochemical variation, residue mobility, and thermodynamic stability) performed at Invitae indicates that this missense variant is not expected to disrupt BRCA2 protein function with a negative predictive value of 95%. In summary, the available evidence is currently insufficient to determine the role of this variant in disease. Therefore, it has been classified as a Variant of Uncertain Significance.

University of Washington Department of Laboratory Medicine, University of Washington
Classification: Likely benign for Hereditary cancer-predisposing syndrome. Last evaluated: 2023-03-23. Review status: criteria provided, single submitter. Criteria: Dines et al. (Genet Med. 2020). Collection method: curation. Allele origin: germline.
Comment: Missense variant in a coldspot region where missense variants are very unlikely to be pathogenic (PMID:31911673).

BRCA2 exon 11 coldspot. Reclassification based on statistical prior probability.

Color Diagnostics, LLC DBA Color Health
Classification: Uncertain significance for Hereditary cancer-predisposing syndrome. Last evaluated: 2019-11-08. Review status: criteria provided, single submitter. Criteria: ACMG Guidelines, 2015. Collection method: clinical testing. Allele origin: germline.
Comment: This missense variant replaces cysteine with tyrosine at codon 717 of the BRCA2 protein. Computational prediction suggests that this variant may not impact protein structure and function (internally defined REVEL score threshold <= 0.5, PMID: 27666373). Splice site prediction tools suggest that this variant may not impact RNA splicing. To our knowledge, functional studies have not been performed for this variant. This variant has not been reported in individuals affected with hereditary cancer in the literature. This variant has not been identified in the general population by the Genome Aggregation Database (gnomAD). The available evidence is insufficient to determine the role of this variant in disease conclusively. Therefore, this variant is classified as a Variant of Uncertain Significance.

Ambry Genetics
Classification: Likely benign for Hereditary cancer-predisposing syndrome. Last evaluated: 2019-05-17. Review status: criteria provided, single submitter. Criteria: Ambry Variant Classification Scheme 2023. Collection method: clinical testing. Allele origin: germline.